The following is an entry in ClinVar:

NM_001204.7(BMPR2):c.1561A>G (p.Met521Val)

Gene: BMPR2 (bone morphogenetic protein receptor type 2; plus strand). Cytogenetic location: 2q33.2.
Variant type: single nucleotide variant.
Coding change: c.1561A>G on transcript NM_001204.7 (MANE Select); coding-DNA position 1561, A replaced by G.
Protein change: p.Met521Val; replaces methionine 521 with valine.
Molecular consequence: missense variant.
Genome position (GRCh38, 1-based): chr2:202,552,863, A>G. VCF-style: chr2-202552863-A-G. GRCh37 (hg19) VCF-style: chr2-203417586-A-G.
Other names: short protein forms M521V.
Identifiers: ClinVar variation 3824804 (VCV003824804.1).
Genomic context (GRCh38, chr2:202,552,863, plus strand): 5'-ATGGCTGAACTTATGATGATTTGGGAAAGAAACAAATCTGTGAGCCCAACAGTCAATCCA[A>G]TGTCTACTGCTATGCAGAATGAACGGTAAGACCCTAAGGGGTGTGGCATCTATCAATCAG-3'
Protein context (NP_001195.2, residues 511-531): NKSVSPTVNP[Met521Val]STAMQNERNL

ClinVar aggregate classification (germline): Uncertain significance (1 of 4 stars; one submission).

Conditions:
Inborn genetic diseases. Identifiers: MedGen C0950123, MeSH D030342.

gnomAD v4.1: 3 of 1,614,198 alleles (0.00019%); highest among the groups gnomAD compares: Non-Finnish European, 0.00025%; no homozygotes.

Submission:

Ambry Genetics
Classification: Uncertain significance for Inborn genetic diseases. Last evaluated: 2025-01-02. Review status: criteria provided, single submitter. Criteria: Ambry Variant Classification Scheme 2023. Collection method: clinical testing. Allele origin: germline.
Comment: The p.M521V variant (also known as c.1561A>G), located in coding exon 11 of the BMPR2 gene, results from an A to G substitution at nucleotide position 1561. The methionine at codon 521 is replaced by valine, an amino acid with highly similar properties. This amino acid position is conserved. In addition, the in silico prediction for this alteration is inconclusive. Based on the available evidence, the clinical significance of this variant remains unclear.